The following is an entry in ClinVar:

ClinVar aggregate classification (germline): Likely benign. Review status: criteria provided, multiple submitters, no conflicts (2 of 4 stars). 2 submissions from 2 submitters: Likely benign (2). Last evaluated 2026-01-05.

Conditions:
Junctional epidermolysis bullosa. Identifiers: Orphanet 305, MedGen C0079301, MONDO:0017612.

Allele frequency attached by ClinVar (database versions not stated): TOPMed 0.00013; gnomAD 0.00016 and 0.00020; gnomAD exomes 0.00019 and 0.00036; ExAC 0.00034; 1000 Genomes Project 0.00120; 1000 Genomes Project 30x 0.00125.
gnomAD v4.1: 300 of 1,614,064 alleles (0.019%); highest among the groups gnomAD compares: East Asian, 0.4%; no homozygotes.

Submissions (2):

Labcorp Genetics (formerly Invitae), Labcorp
Classification: Likely benign. Last evaluated: 2026-01-05. Review status: criteria provided, single submitter. Criteria: Invitae Variant Classification Sherloc (09022015). Collection method: clinical testing. Allele origin: germline.

Illumina Laboratory Services, Illumina
Classification: Likely benign for Junctional epidermolysis bullosa. Last evaluated: 2018-01-13. Review status: criteria provided, single submitter. Criteria: ICSL Variant Classification Criteria 13 December 2019. Collection method: clinical testing. Allele origin: germline.
Comment: This variant was observed in the ICSL laboratory as part of a predisposition screen in an ostensibly healthy population. It had not been previously curated by ICSL or reported in the Human Gene Mutation Database (HGMD: prior to June 1st, 2018), and was therefore a candidate for classification through an automated scoring system. Utilizing variant allele frequency, disease prevalence and penetrance estimates, and inheritance mode, an automated score was calculated to assess if this variant is too frequent to cause the disease. Based on the score and internal cut-off values, a variant classified as likely benign is not then subjected to further curation. The score for this variant resulted in a classification of likely benign for this disease.

NM_000228.3(LAMB3):c.734G>A (p.Arg245His)

Gene: LAMB3 (laminin subunit beta 3; minus strand). Cytogenetic location: 1q32.2.
Variant type: single nucleotide variant.
Coding change: c.734G>A on transcript NM_000228.3 (MANE Select); coding-DNA position 734, G replaced by A.
Protein change: p.Arg245His; replaces arginine 245 with histidine.
Molecular consequence: missense variant.
Genome position (GRCh38, 1-based): chr1:209,632,671, C>T on the plus strand (G>A on the coding strand, the complement: LAMB3 is on the minus strand). VCF-style: chr1-209632671-C-T. GRCh37 (hg19) VCF-style: chr1-209806016-C-T.
Other names: c.734G>A, p.Arg245His (NM_001017402.2, NM_001127641.1); short protein forms R245H.
Identifiers: ClinVar variation 759442 (VCV000759442.14), dbSNP rs114886812, ClinGen allele CA1375860.